The following is an entry in ClinVar:

ClinVar aggregate classification (germline): Uncertain significance. Review status: criteria provided, multiple submitters, no conflicts (2 of 4 stars). 2 submissions from 2 submitters: Uncertain significance (2). Last evaluated 2026-07-16.

Conditions:
Progressive familial heart block type IB (PFHB1B). Identifiers: Orphanet 871, MedGen C1970298, MONDO:0011474, OMIM 604559.

Allele frequency attached by ClinVar (database versions not stated): ExAC 0.00001; gnomAD 0.00001; gnomAD exomes 0.00001 and 0.00002; TOPMed 0.00001.
gnomAD v4.1: 13 of 1,614,044 alleles (0.00081%); highest among the groups gnomAD compares: South Asian, 0.0011%; no homozygotes.

Submissions (2):

GeneDx
Classification: Uncertain significance. Last evaluated: 2026-07-16. Review status: criteria provided, single submitter. Criteria: GeneDx Variant Classification Process June 2021. Collection method: clinical testing. Allele origin: germline.
Comment: Has not been previously published as pathogenic or benign to our knowledge; Not observed at significant frequency in large population cohorts (gnomAD); In silico analysis supports that this missense variant has a deleterious effect on protein structure/function

Labcorp Genetics (formerly Invitae), Labcorp
Classification: Uncertain significance for Progressive familial heart block type IB. Last evaluated: 2021-09-15. Review status: criteria provided, single submitter. Criteria: Invitae Variant Classification Sherloc (09022015). Collection method: clinical testing. Allele origin: germline.
Comment: In summary, the available evidence is currently insufficient to determine the role of this variant in disease. Therefore, it has been classified as a Variant of Uncertain Significance. Algorithms developed to predict the effect of missense changes on protein structure and function are either unavailable or do not agree on the potential impact of this missense change (SIFT: "Deleterious"; PolyPhen-2: "Probably Damaging"; Align-GVGD: "Class C0"). This variant has not been reported in the literature in individuals affected with TRPM4-related conditions. This variant is present in population databases (rs746817557, ExAC 0.001%). This sequence change replaces arginine with tryptophan at codon 597 of the TRPM4 protein (p.Arg597Trp). The arginine residue is moderately conserved and there is a moderate physicochemical difference between arginine and tryptophan.

NM_017636.4(TRPM4):c.1789C>T (p.Arg597Trp)

Gene: TRPM4 (transient receptor potential cation channel subfamily M member 4; plus strand). Cytogenetic location: 19q13.33.
Variant type: single nucleotide variant.
Coding change: c.1789C>T on transcript NM_017636.4 (MANE Select); coding-DNA position 1789, C replaced by T.
Protein change: p.Arg597Trp; replaces arginine 597 with tryptophan.
Molecular consequence: missense variant.
Genome position (GRCh38, 1-based): chr19:49,188,686, C>T. VCF-style: chr19-49188686-C-T. GRCh37 (hg19) VCF-style: chr19-49691943-C-T.
Other names: c.1789C>T, p.Arg597Trp (NM_001195227.2); c.1444C>T, p.Arg482Trp (NM_001321281.2); c.181C>T, p.Arg61Trp (NM_001321282.2); c.1267C>T, p.Arg423Trp (NM_001321283.2); c.727C>T, p.Arg243Trp (NM_001321285.2); c.1789C>T (NM_017636.3); short protein forms R482W, R61W, R243W, R423W, R597W.
Identifiers: ClinVar variation 1352539 (VCV001352539.8), dbSNP rs746817557, ClinGen allele CA9569326.